The following is an entry in ClinVar:

NM_002206.3(ITGA7):c.1230A>T (p.Lys410Asn)

Gene: ITGA7 (integrin subunit alpha 7; minus strand). Cytogenetic location: 12q13.2.
Variant type: single nucleotide variant.
Coding change: c.1230A>T on transcript NM_002206.3 (MANE Select); coding-DNA position 1230, A replaced by T.
Protein change: p.Lys410Asn; replaces lysine 410 with asparagine.
Molecular consequence: missense variant. On other transcripts: 5 prime UTR variant (1).
Genome position (GRCh38, 1-based): chr12:55,697,989, T>A on the plus strand (A>T on the coding strand, the complement: ITGA7 is on the minus strand). VCF-style: chr12-55697989-T-A. GRCh37 (hg19) VCF-style: chr12-56091773-T-A.
Other names: c.1242A>T, p.Lys414Asn (NM_001144996.2, NM_001414029.1); c.951A>T, p.Lys317Asn (NM_001144997.2); c.903A>T, p.Lys301Asn (NM_001367993.1); c.-63A>T (NM_001367994.1); c.1230A>T, p.Lys410Asn (NM_001374465.1, NM_001414034.1); c.1362A>T, p.Lys454Asn (NM_001410977.1); c.1155A>T, p.Lys385Asn (NM_001414030.1); c.1143A>T, p.Lys381Asn (NM_001414031.1); and 3 more; short protein forms K301N, K414N, K410N, K317N, K454N, K349N, K385N, K370N.
Identifiers: ClinVar variation 1369204 (VCV001369204.3), dbSNP rs770309632, ClinGen allele CA6616024.
Genomic context (GRCh38, chr12:55,697,989, plus strand): 5'-TCCCCTCACCTGTGAAGGTTTGGCGACAACCCCCAGGCTGCTCCCATGGTAGATGAAGAC[T>A]TTCCCATCACCATCAAAGGGGGCACCCACTGCAATATCTGCAGGGCACAGGGAAAAGGCA-3'
Protein context (NP_002197.2, residues 400-420): AVGAPFDGDG[Lys410Asn]VFIYHGSSLG

ClinVar aggregate classification (germline): Uncertain significance (1 of 4 stars; one submission).

Conditions:
Congenital muscular dystrophy due to integrin alpha-7 deficiency. Also called: MYOPATHY, CONGENITAL, DUE TO INTEGRIN ALPHA-7 DEFICIENCY; Congenital muscular dystrophy with integrin alpha-7 deficiency; Muscular dystrophy, congenital, due to ITGA7 deficiency. Identifiers: Orphanet 34520, MedGen C2750786, MONDO:0013177, OMIM 613204.

Allele frequency attached by ClinVar (database versions not stated): gnomAD exomes below 0.00001; ExAC 0.00001.
gnomAD v4.1: 1 of 1,614,112 alleles (0.000062%); highest among the groups gnomAD compares: Non-Finnish European, 0.000085%; no homozygotes.

Submission:

Labcorp Genetics (formerly Invitae), Labcorp
Classification: Uncertain significance for Congenital muscular dystrophy due to integrin alpha-7 deficiency. Last evaluated: 2021-08-04. Review status: criteria provided, single submitter. Criteria: Invitae Variant Classification Sherloc (09022015). Collection method: clinical testing. Allele origin: germline.
Comment: This sequence change replaces lysine with asparagine at codon 410 of the ITGA7 protein (p.Lys410Asn). The lysine residue is moderately conserved and there is a moderate physicochemical difference between lysine and asparagine. This variant is present in population databases (rs770309632, ExAC 0.001%). This variant has not been reported in the literature in individuals affected with ITGA7-related conditions. Algorithms developed to predict the effect of missense changes on protein structure and function are either unavailable or do not agree on the potential impact of this missense change (SIFT: "Tolerated"; PolyPhen-2: "Possibly Damaging"; Align-GVGD: "Class C0"). In summary, the available evidence is currently insufficient to determine the role of this variant in disease. Therefore, it has been classified as a Variant of Uncertain Significance.